The following is an entry in ClinVar:

ClinVar aggregate classification (germline): Uncertain significance (1 of 4 stars; one submission).

Conditions:
Inborn genetic diseases. Identifiers: MedGen C0950123, MeSH D030342.

Submission:

Ambry Genetics
Classification: Uncertain significance for Inborn genetic diseases. Last evaluated: 2022-10-04. Review status: criteria provided, single submitter. Criteria: Ambry Variant Classification Scheme 2023. Collection method: clinical testing. Allele origin: germline.
Comment: The p.M2301L variant (also known as c.6901A>T), located in coding exon 47 of the LRRK2 gene, results from an A to T substitution at nucleotide position 6901. The methionine at codon 2301 is replaced by leucine, an amino acid with highly similar properties. This amino acid position is conserved. In addition, the in silico prediction for this alteration is inconclusive. Since supporting evidence is limited at this time, the clinical significance of this alteration remains unclear.

NM_198578.4(LRRK2):c.6901A>T (p.Met2301Leu)

Gene: LRRK2 (leucine rich repeat kinase 2; plus strand). Cytogenetic location: 12q12.
Variant type: single nucleotide variant.
Coding change: c.6901A>T on transcript NM_198578.4 (MANE Select); coding-DNA position 6901, A replaced by T.
Protein change: p.Met2301Leu; replaces methionine 2301 with leucine.
Molecular consequence: missense variant.
Genome position (GRCh38, 1-based): chr12:40,359,317, A>T. VCF-style: chr12-40359317-A-T. GRCh37 (hg19) VCF-style: chr12-40753119-A-T.
Other names: short protein forms M2301L.
Identifiers: ClinVar variation 1756077 (VCV001756077.2), dbSNP rs2500012127, ClinGen allele CA384411558.